The following is an entry in ClinVar:

ClinVar aggregate classification (germline): Pathogenic/Likely pathogenic. Review status: criteria provided, multiple submitters, no conflicts (2 of 4 stars). 10 submissions from 10 submitters: Pathogenic (6); Likely pathogenic (4). Last evaluated 2026-09-01.

Conditions:
TTN-related disorder. Also called: TTN-related disorders; TTN-related condition; TTN-related disease.
Cardiovascular phenotype. Identifiers: MedGen CN230736.
Autosomal recessive limb-girdle muscular dystrophy type 2J (LGMDR10). Also called: Limb-girdle muscular dystrophy, type 2J; MUSCULAR DYSTROPHY, LIMB-GIRDLE, AUTOSOMAL RECESSIVE 10. Identifiers: Orphanet 140922, MedGen C1837342, MONDO:0012127, OMIM 608807.
Dilated cardiomyopathy 1G (CMD1G). Identifiers: Orphanet 154, MedGen C1858763, MONDO:0011400, OMIM 604145.
Primary familial dilated cardiomyopathy (FDC). Also called: Hypokinetic dilated cardiomyopathy, familial; Familial dilated cardiomyopathy. Identifiers: Orphanet 217607, MedGen C0340427, MONDO:0016333.
Primary dilated cardiomyopathy (DCM). Also called: Dilated Cardiomyopathy. Identifiers: Orphanet 217604, MedGen C0007193, MeSH D002311, MONDO:0005021, HP:0001644. Inheritance: Various modes of inheritance.

Allele frequency attached by ClinVar (database versions not stated): gnomAD exomes below 0.00001; TOPMed below 0.00001.
gnomAD v4.1: 2 of 1,613,384 alleles (0.00012%); highest among the groups gnomAD compares: Non-Finnish European, 0.00017%; no homozygotes.

Submissions (10):

CeGaT Center for Human Genetics Tuebingen
Classification: Likely pathogenic. Last evaluated: 2026-09-01. Review status: criteria provided, single submitter. Criteria: CeGaT Center For Human Genetics Tuebingen Variant Classification Criteria Version 2. Collection method: clinical testing. Allele origin: germline. Affected: yes. Observed: 1 variant allele.
Comment: TTN: PVS1:Strong, PM2, PM3

Labcorp Genetics (formerly Invitae), Labcorp
Classification: Pathogenic for Dilated cardiomyopathy 1G; Autosomal recessive limb-girdle muscular dystrophy type 2J. Last evaluated: 2026-01-20. Review status: criteria provided, single submitter. Criteria: Invitae Variant Classification Sherloc (09022015). Collection method: clinical testing. Allele origin: germline.
Comment: This sequence change creates a premature translational stop signal (p.Arg26562*) in the TTN gene. While this is not anticipated to result in nonsense mediated decay, it is expected to create a truncated TTN protein. This variant is not present in population databases (gnomAD no frequency). This premature translational stop signal has been observed in individuals with dilated cardiomyopathy or skeletal myopathy (PMID: 25589632, 27886618, 32039858). ClinVar contains an entry for this variant (Variation ID: 222861). This variant is located in the A band of TTN (PMID: 25589632). Truncating variants in this region are significantly overrepresented in patients affected with dilated cardiomyopathy (PMID: 25589632). Truncating variants in this region have also been reported in individuals affected with autosomal recessive centronuclear myopathy (PMID: 23975875). For these reasons, this variant has been classified as Pathogenic.

Ambry Genetics
Classification: Pathogenic for Cardiovascular phenotype. Last evaluated: 2025-10-31. Review status: criteria provided, single submitter. Criteria: Ambry Variant Classification Scheme 2023. Collection method: clinical testing. Allele origin: germline.
Comment: The p.R17497* pathogenic mutation (also known as c.52489C>T), located in coding exon 153 of the TTN gene, results from a C to T substitution at nucleotide position 52489. This changes the amino acid from an arginine to a stop codon within coding exon 153. This exon is located in the A-band region of the N2-B isoform of the titin protein and is constitutively expressed in TTN transcripts (percent spliced in or PSI 100%). This variant (also referred to as p.Arg26562*, c.79684C>T) has been detected in several individuals from dilated cardiomyopathy cohorts, and co-occurred with a second TTN nonsense variant in an individual with congenital myopathy; however, details were limited (Savarese M et al. Acta Neuropathol Commun, 2014 Sep;2:100; Roberts AM et al. Sci Transl Med, 2015 Jan;7:270ra6; Dalin MG et al. Int J Cardiol, 2017 Feb;228:742-748; Kolokotronis K et al. J Clin Med, 2020 Jul;9). This variant is considered to be rare based on population cohorts in the Genome Aggregation Database (gnomAD). This variant is expected to result in loss of function by premature protein truncation or nonsense-mediated mRNA decay. While truncating variants in TTN are present in 1-3% of the general population, truncating variants in the A-band are the most common cause of dilated cardiomyopathy (Herman DS et al. N. Engl. J. Med., 2012 Feb;366:619-28; Roberts AM et al. Sci Transl Med, 2015 Jan;7:270ra6). TTN truncating variants encoded in constitutive exons (PSI >90%) have been found to be significantly associated with DCM regardless of their position in titin (Schafer S et al. Nat. Genet., 2017 01;49:46-53; Akhtar MM et al. Circ Heart Fail, 2020 Oct;13:e006832; Massier M et al. Clin Genet, 2025 Jan). Based on the supporting evidence, this alteration is interpreted as a disease-causing mutation.

Mayo Clinic Laboratories, Mayo Clinic
Classification: Pathogenic. Last evaluated: 2025-10-03. Review status: criteria provided, single submitter. Criteria: ACMG Guidelines, 2015. Collection method: clinical testing. Allele origin: germline. Observed: 1 variant allele.
Comment: PM2_supporting, PM3_supporting, PS4_supporting, PVS1

GeneDx
Classification: Pathogenic. Last evaluated: 2024-07-09. Review status: criteria provided, single submitter. Criteria: GeneDx Variant Classification Process June 2021. Collection method: clinical testing. Allele origin: germline.
Comment: Observed with additional TTN variants in individuals with skeletal myopathies, although it is not known if the variants were present on the same allele (in cis) or opposite alleles (in trans) in some cases (PMID: 32039858, 25214167, 32778822); Not observed at significant frequency in large population cohorts (gnomAD); Located in the A-band region of TTN in which the majority of loss of function variants have been associated with autosomal dominant titinopathies (PMID: 22335739); Nonsense variant predicted to result in protein truncation or nonsense mediated decay in a gene for which loss of function is a known mechanism of disease; This variant is associated with the following publications: (PMID: 25589632, 25214167, 32659924, 32778822, 34883393, 27886618, 32039858, 22335739)

3billion
Classification: Pathogenic for Dilated cardiomyopathy 1G. Last evaluated: 2023-02-23. Review status: criteria provided, single submitter. Criteria: ACMG Guidelines, 2015. Collection method: clinical testing. Allele origin: unknown. Affected: yes.
Comment: The variant is not observed in the gnomAD v2.1.1 dataset. This variant was predicted to result in a loss or disruption of normal protein function through nonsense-mediated decay (NMD) or protein truncation. Multiple pathogenic variants are reported downstream of the variant. The variant has been reported at least twice as pathogenic with clinical assertions and evidence for the classification (ClinVar ID: VCV000222861). Therefore, this variant is classified as Pathogenic according to the recommendation of ACMG/AMP guideline.

Revvity Omics, Revvity
Classification: Likely pathogenic. Last evaluated: 2021-12-17. Review status: criteria provided, single submitter. Criteria: ACMG Guidelines, 2015. Collection method: clinical testing. Allele origin: germline.

Women's Health and Genetics/Laboratory Corporation of America, LabCorp
Classification: Likely pathogenic for Primary familial dilated cardiomyopathy. Last evaluated: 2021-09-28. Review status: criteria provided, single submitter. Criteria: LabCorp Variant Classification Summary - May 2015. Collection method: clinical testing. Allele origin: germline.
Comment: Variant summary: TTN c.71980C>T (p.Arg23994X) results in a premature termination codon, predicted to cause a truncation of the encoded protein. The variant is located in the A-band region, and in an exon that is highly expressed in the heart (Roberts_2015). The variant was absent in 248410 control chromosomes (gnomAD). c.71980C>T has been reported in the literature in individuals affected with Dilated Cardiomyopathy (Roberts_2015, Jansweijer_2017, Dalin_2017, Kolokotronis_2020) and was also found in patients affected with myopathies (Savarese_2014, Savarese_2020). These data indicate that the variant may be associated with disease. To our knowledge, no experimental evidence demonstrating an impact on protein function has been reported. Two clinical diagnostic laboratories have submitted clinical-significance assessments for this variant to ClinVar after 2014 , and both of them classified the variant as likely pathogenic. Based on the evidence outlined above, the variant was classified as likely pathogenic.

Blueprint Genetics
Classification: Pathogenic for TTN-related disorders. Last evaluated: 2019-11-18. Review status: criteria provided, single submitter. Criteria: ACMG Guidelines, 2015. Collection method: clinical testing. Allele origin: germline. Affected: yes. Observed: 3 variant alleles.

Cardiovascular Biomedical Research Unit, Royal Brompton & Harefield NHS Foundation Trust
Classification: Likely pathogenic for Primary dilated cardiomyopathy. Last evaluated: 2014-10-08. Review status: criteria provided, single submitter. Criteria: Roberts et al. 2015. Collection method: research. Allele origin: germline. Inheritance: Autosomal dominant inheritance. Affected: yes. Observed: 1 variant allele. Study: Familial DCM.
Comment: In the seven cohorts assessed, TTNtv were found in 14% of ambulant DCM, 22% end-stage or familial DCM, and 2% controls. Heterozygous nonsense, frameshift and canonical splice-disrupting variants found in constitutive and other highly utilised exons are highly likely to be pathogenic when identified in individuals with phenotypically confirmed DCM. TTNtv found incidentally in healthy individuals (excluding familial assessment of DCM relatives) are thought to have low penetrance, particularly when identified in exons that are not constitutively expressed in the heart.

Literature cited by the submitters: PubMed 25589632 (cited by 4 submitters); PubMed 27886618 (cited by 4 submitters); PubMed 32039858 (cited by 3 submitters); PubMed 23975875 (cited by Labcorp Genetics (formerly Invitae), Labcorp); PubMed 25214167 (cited by 3 submitters); PubMed 32659924 (cited by 3 submitters); PubMed 27813223 (cited by Mayo Clinic Laboratories, Mayo Clinic and Women's Health and Genetics/Laboratory Corporation of America, LabCorp); PubMed 32778822 (cited by Mayo Clinic Laboratories, Mayo Clinic and Women's Health and Genetics/Laboratory Corporation of America, LabCorp); PubMed 34883393 (cited by Mayo Clinic Laboratories, Mayo Clinic).

NM_001267550.2(TTN):c.79684C>T (p.Arg26562Ter)

Genes: TTN (titin; minus strand), TTN-AS1 (TTN antisense RNA 1; plus strand). Cytogenetic location: 2q31.2.
Variant type: single nucleotide variant.
Coding change: c.79684C>T on transcript NM_001267550.2 (MANE Select); coding-DNA position 79684, C replaced by T.
Protein change: p.Arg26562Ter; replaces arginine 26562 with a stop codon.
Molecular consequence: nonsense.
Genome position (GRCh38, 1-based): chr2:178,566,448, G>A on the plus strand (C>T on the coding strand, the complement: TTN is on the minus strand). VCF-style: chr2-178566448-G-A. GRCh37 (hg19) VCF-style: chr2-179431175-G-A.
Other names: p.Arg24921*; c.74761C>T, p.Arg24921Ter (NM_001256850.1); c.52489C>T, p.Arg17497Ter (NM_003319.4); c.71980C>T, p.Arg23994Ter (NM_133378.4); c.52864C>T, p.Arg17622Ter (NM_133432.3); c.53065C>T, p.Arg17689Ter (NM_133437.4); c.79684C>T (LRG_391t1); short protein forms R26562*, R17622*, R17689*, R23994*, R17497*, R24921*.
Identifiers: ClinVar variation 222861 (VCV000222861.20), dbSNP rs869025545, ClinGen allele CA351848.